The following is an entry in ClinVar:

ClinVar aggregate classification (germline): Uncertain significance (1 of 4 stars; one submission).

Submission:

Labcorp Genetics (formerly Invitae), Labcorp
Classification: Uncertain significance. Last evaluated: 2022-03-11. Review status: criteria provided, single submitter. Criteria: Invitae Variant Classification Sherloc (09022015). Collection method: clinical testing. Allele origin: germline.
Comment: In summary, the available evidence is currently insufficient to determine the role of this variant in disease. Therefore, it has been classified as a Variant of Uncertain Significance. Algorithms developed to predict the effect of missense changes on protein structure and function are either unavailable or do not agree on the potential impact of this missense change (SIFT: "Tolerated"; PolyPhen-2: "Probably Damaging"; Align-GVGD: "Class C0"). This variant has not been reported in the literature in individuals affected with MRPS34-related conditions. This variant is present in population databases (no rsID available, gnomAD 0.0009%). This sequence change replaces arginine, which is basic and polar, with proline, which is neutral and non-polar, at codon 136 of the MRPS34 protein (p.Arg136Pro).

NM_023936.2(MRPS34):c.386G>C (p.Arg129Pro)

Gene: MRPS34 (mitochondrial ribosomal protein S34; minus strand). Cytogenetic location: 16p13.3.
Variant type: single nucleotide variant.
Coding change: c.386G>C on transcript NM_023936.2 (MANE Select); coding-DNA position 386, G replaced by C.
Protein change: p.Arg129Pro; replaces arginine 129 with proline.
Molecular consequence: missense variant.
Genome position (GRCh38, 1-based): chr16:1,772,492, C>G on the plus strand (G>C on the coding strand, the complement: MRPS34 is on the minus strand). VCF-style: chr16-1772492-C-G. GRCh37 (hg19) VCF-style: chr16-1822493-C-G.
Other names: c.407G>C, p.Arg136Pro (NM_001300900.2); short protein forms R129P, R136P.
Identifiers: ClinVar variation 2130804 (VCV002130804.4), dbSNP rs1269280274, ClinGen allele CA394243326.